The following is an entry in ClinVar:

NM_004252.5(NHERF1):c.248T>G (p.Leu83Arg)

Genes: NHERF1 (NHERF family PDZ scaffold protein 1; plus strand), SLC9A3R1-AS1 (SLC9A3R1 antisense RNA 1; minus strand). Cytogenetic location: 17q25.1.
Variant type: single nucleotide variant.
Coding change: c.248T>G on transcript NM_004252.5 (MANE Select); coding-DNA position 248, T replaced by G.
Protein change: p.Leu83Arg; replaces leucine 83 with arginine.
Molecular consequence: missense variant.
Genome position (GRCh38, 1-based): chr17:74,749,094, T>G. VCF-style: chr17-74749094-T-G. GRCh37 (hg19) VCF-style: chr17-72745233-T-G.
Other names: short protein forms L83R.
Identifiers: ClinVar variation 1045381 (VCV001045381.8), dbSNP rs763400849, ClinGen allele CA8750564.

ClinVar aggregate classification (germline): Uncertain significance (1 of 4 stars; one submission).

Allele frequency attached by ClinVar (database versions not stated): gnomAD exomes 0.00014 and 0.00022; gnomAD 0.00019 and 0.00021; TOPMed 0.00022; ExAC 0.00024.
gnomAD v4.1: 350 of 1,585,872 alleles (0.022%); highest among the groups gnomAD compares: Non-Finnish European, 0.027%; no homozygotes.

Submission:

Labcorp Genetics (formerly Invitae), Labcorp
Classification: Uncertain significance. Last evaluated: 2025-10-01. Review status: criteria provided, single submitter. Criteria: Invitae Variant Classification Sherloc (09022015). Collection method: clinical testing. Allele origin: germline.
Comment: This sequence change replaces leucine, which is neutral and non-polar, with arginine, which is basic and polar, at codon 83 of the SLC9A3R1 protein (p.Leu83Arg). This variant is present in population databases (rs763400849, gnomAD 0.02%). This variant has not been reported in the literature in individuals affected with SLC9A3R1-related conditions. ClinVar contains an entry for this variant (Variation ID: 1045381). An algorithm developed to predict the effect of missense changes on protein structure and function (PolyPhen-2) suggests that this variant is likely to be tolerated. In summary, the available evidence is currently insufficient to determine the role of this variant in disease. Therefore, it has been classified as a Variant of Uncertain Significance.